The following is an entry in ClinVar:

ClinVar aggregate classification (germline): Uncertain significance (1 of 4 stars; one submission).

Conditions:
Cardiovascular phenotype. Identifiers: MedGen CN230736.

gnomAD v4.1: 2 of 1,614,046 alleles (0.00012%); highest among the groups gnomAD compares: Non-Finnish European, 0.00017%; no homozygotes.

Submission:

Ambry Genetics
Classification: Uncertain significance for Cardiovascular phenotype. Last evaluated: 2024-12-09. Review status: criteria provided, single submitter. Criteria: Ambry Variant Classification Scheme 2023. Collection method: clinical testing. Allele origin: germline.
Comment: The p.V3309I variant (also known as c.9925G>A), located in coding exon 26 of the APOB gene, results from a G to A substitution at nucleotide position 9925. The valine at codon 3309 is replaced by isoleucine, an amino acid with highly similar properties. This amino acid position is conserved. In addition, this alteration is predicted to be tolerated by in silico analysis. Based on the available evidence, the clinical significance of this variant remains unclear.

NM_000384.3(APOB):c.9925G>A (p.Val3309Ile)

Gene: APOB (apolipoprotein B; minus strand). Cytogenetic location: 2p24.1.
Variant type: single nucleotide variant.
Coding change: c.9925G>A on transcript NM_000384.3 (MANE Select); coding-DNA position 9925, G replaced by A.
Protein change: p.Val3309Ile; replaces valine 3309 with isoleucine.
Molecular consequence: missense variant.
Genome position (GRCh38, 1-based): chr2:21,006,943, C>T on the plus strand (G>A on the coding strand, the complement: APOB is on the minus strand). VCF-style: chr2-21006943-C-T. GRCh37 (hg19) VCF-style: chr2-21229815-C-T.
Other names: short protein forms V3309I.
Identifiers: ClinVar variation 3416502 (VCV003416502.1).
Genomic context (GRCh38, chr2:21,006,943, plus strand): 5'-TATGGCTTATGGTACACAATTCCTTGAAATCTGGAAGAGAAAGCTTGAGATTTCTAGGGA[C>T]ATGAAGGACTGGCAGCTCTAATGATGGCAGGATTAATGTGTATGAAGGCACACGGACGTC-3'
Protein context (NP_000375.3, residues 3299-3319): LPSLELPVLH[Val3309Ile]PRNLKLSLPD